The following is an entry in ClinVar:

ClinVar aggregate classification (germline): Pathogenic (1 of 4 stars; one submission).

gnomAD v4.1: 8 of 1,614,018 alleles (0.0005%); highest among the groups gnomAD compares: Admixed American, 0.01%; no homozygotes.

Submission:

Labcorp Genetics (formerly Invitae), Labcorp
Classification: Pathogenic. Last evaluated: 2025-03-07. Review status: criteria provided, single submitter. Criteria: Invitae Variant Classification Sherloc (09022015). Collection method: clinical testing. Allele origin: germline.
Comment: This sequence change creates a premature translational stop signal (p.Ser461*) in the DDR2 gene. It is expected to result in an absent or disrupted protein product. Loss-of-function variants in DDR2 are known to be pathogenic (PMID: 11375938, 29884795). This variant is present in population databases (rs140710321, gnomAD 0.003%). This variant has not been reported in the literature in individuals affected with DDR2-related conditions. ClinVar contains an entry for this variant (Variation ID: 1052169). For these reasons, this variant has been classified as Pathogenic.

Literature cited by the submitters: PubMed 11375938; PubMed 29884795.

NM_006182.4(DDR2):c.1382C>G (p.Ser461Ter)

Gene: DDR2 (discoidin domain receptor tyrosine kinase 2; plus strand). Cytogenetic location: 1q23.3.
Variant type: single nucleotide variant.
Coding change: c.1382C>G on transcript NM_006182.4 (MANE Select); coding-DNA position 1382, C replaced by G.
Protein change: p.Ser461Ter; replaces serine 461 with a stop codon.
Molecular consequence: nonsense.
Genome position (GRCh38, 1-based): chr1:162,770,390, C>G. VCF-style: chr1-162770390-C-G. GRCh37 (hg19) VCF-style: chr1-162740180-C-G.
Other names: c.1382C>G, p.Ser461Ter (NM_001014796.3, NM_001354982.2, NM_001354983.2); short protein forms S461*.
Identifiers: ClinVar variation 1052169 (VCV001052169.5), dbSNP rs140710321, ClinGen allele CA1217504.
Genomic context (GRCh38, chr1:162,770,390, plus strand): 5'-TGACAGTCAGCCTTTCCCTGCCAAGTGATTCTAGCATGTTCAACAATAACCGCTCCTCAT[C>G]ACCTAGTGAACAAGGGTCCAACTCGACTTACGATCGCATCTTTCCCCTTCGCCCTGACTA-3'